The following is an entry in ClinVar:

NM_001378778.1(MPDZ):c.6085G>A (p.Gly2029Arg)

Gene: MPDZ (multiple PDZ domain crumbs cell polarity complex component; minus strand). Cytogenetic location: 9p23.
Variant type: single nucleotide variant.
Coding change: c.6085G>A on transcript NM_001378778.1 (MANE Select); coding-DNA position 6085, G replaced by A.
Protein change: p.Gly2029Arg; replaces glycine 2029 with arginine.
Molecular consequence: missense variant.
Genome position (GRCh38, 1-based): chr9:13,107,093, C>T on the plus strand (G>A on the coding strand, the complement: MPDZ is on the minus strand). VCF-style: chr9-13107093-C-T. GRCh37 (hg19) VCF-style: chr9-13107092-C-T.
Other names: c.5986G>A, p.Gly1996Arg (NM_001261406.2, NM_001375416.1, NM_001375417.1 and 1 more transcripts); c.5899G>A, p.Gly1967Arg (NM_001261407.2, NM_001375419.1); c.6085G>A, p.Gly2029Arg (NM_001330637.2); c.6184G>A, p.Gly2062Arg (NM_001375413.1); c.5875G>A, p.Gly1959Arg (NM_001375420.1, NM_001375421.1, NM_001375422.1 and 2 more transcripts); c.5788G>A, p.Gly1930Arg (NM_001375425.1, NM_001375426.1); c.5677G>A, p.Gly1893Arg (NM_001375427.1); c.5998G>A, p.Gly2000Arg (NM_003829.5); short protein forms G1996R, G2029R, G2062R, G1959R, G2000R, G1893R, G1930R, G1967R.
Identifiers: ClinVar variation 781920 (VCV000781920.15), dbSNP rs150393677, ClinGen allele CA4985956.

ClinVar aggregate classification (germline): Conflicting classifications of pathogenicity. Review status: criteria provided, conflicting classifications (1 of 4 stars). 4 submissions from 4 submitters: Uncertain significance (1); Likely benign (2). 1 of the submissions does not count toward it. Last evaluated 2026-01-25.

Conditions:
MPDZ-related disorder. Also called: MPDZ-related condition.
Hydrocephalus, nonsyndromic, autosomal recessive 2. Also called: Hydrocephalus, congenital, 2, with or without brain or eye anomalies. Identifiers: Orphanet 2185, MedGen C3554691, MONDO:0014085, OMIM 615219.

Allele frequency attached by ClinVar (database versions not stated): ESP Exome Variant Server 0.00091; ExAC 0.00092; 1000 Genomes Project 30x 0.00094; gnomAD 0.00119 and 0.00125; 1000 Genomes Project 0.00120; TOPMed 0.00131.
gnomAD v4.1: 1,513 of 1,577,072 alleles (0.096%); highest among the groups gnomAD compares: Admixed American, 0.36%; 5 homozygotes.

Submissions (4):

Labcorp Genetics (formerly Invitae), Labcorp
Classification: Likely benign. Last evaluated: 2026-01-25. Review status: criteria provided, single submitter. Criteria: Invitae Variant Classification Sherloc (09022015). Collection method: clinical testing. Allele origin: germline.

Blueprint Genetics
Classification: Likely benign. Last evaluated: 2024-11-05. Review status: criteria provided, single submitter. Criteria: ACMG Guidelines, 2015. Collection method: clinical testing. Allele origin: germline.

Revvity Omics, Revvity
Classification: Uncertain significance for Hydrocephalus, nonsyndromic, autosomal recessive 2. Last evaluated: 2024-06-28. Review status: criteria provided, single submitter. Criteria: ACMG Guidelines, 2015. Collection method: clinical testing. Allele origin: germline.

PreventionGenetics, part of Exact Sciences
Classification: Likely benign for MPDZ-related condition. Last evaluated: 2022-04-14. Review status: no assertion criteria provided. Collection method: clinical testing. Allele origin: germline. Not counted in ClinVar's aggregate classification.
Comment: This variant is classified as likely benign based on ACMG/AMP sequence variant interpretation guidelines (Richards et al. 2015 PMID: 25741868, with internal and published modifications).